The following is an entry in ClinVar:

ClinVar aggregate classification (germline): Uncertain significance (1 of 4 stars; one submission).

Submission:

Labcorp Genetics (formerly Invitae), Labcorp
Classification: Uncertain significance. Last evaluated: 2022-02-20. Review status: criteria provided, single submitter. Criteria: Invitae Variant Classification Sherloc (09022015). Collection method: clinical testing. Allele origin: germline.
Comment: In summary, the available evidence is currently insufficient to determine the role of this variant in disease. Therefore, it has been classified as a Variant of Uncertain Significance. Algorithms developed to predict the effect of sequence changes on RNA splicing suggest that this variant may disrupt the consensus splice site. This variant has not been reported in the literature in individuals affected with C5-related conditions. This variant is not present in population databases (gnomAD no frequency). This sequence change falls in intron 39 of the C5 gene. It does not directly change the encoded amino acid sequence of the C5 protein.

NM_001735.3(C5):c.4763-10T>C

Gene: C5 (complement C5; minus strand). Cytogenetic location: 9q33.2.
Variant type: single nucleotide variant.
Coding change: c.4763-10T>C on transcript NM_001735.3 (MANE Select); 10 bases into the intron before coding-DNA position 4763, T replaced by C.
Molecular consequence: intron variant.
Genome position (GRCh38, 1-based): chr9:120,953,878, A>G on the plus strand (T>C on the coding strand, the complement: C5 is on the minus strand). VCF-style: chr9-120953878-A-G. GRCh37 (hg19) VCF-style: chr9-123716156-A-G.
Other names: c.4781-10T>C (NM_001317163.2).
Identifiers: ClinVar variation 1953598 (VCV001953598.5), dbSNP rs2540367574, ClinGen allele CA2580079521.